The following is an entry in ClinVar:

NM_002615.7(SERPINF1):c.736G>C (p.Asp246His)

Gene: SERPINF1 (serpin family F member 1; plus strand). Cytogenetic location: 17p13.3.
Variant type: single nucleotide variant.
Coding change: c.736G>C on transcript NM_002615.7 (MANE Select); coding-DNA position 736, G replaced by C.
Protein change: p.Asp246His; replaces aspartic acid 246 with histidine.
Molecular consequence: missense variant.
Genome position (GRCh38, 1-based): chr17:1,775,150, G>C. VCF-style: chr17-1775150-G-C. GRCh37 (hg19) VCF-style: chr17-1678444-G-C.
Other names: c.736G>C, p.Asp246His (NM_001329903.2); c.175G>C, p.Asp59His (NM_001329904.2, NM_001329905.2); short protein forms D246H, D59H.
Identifiers: ClinVar variation 1464488 (VCV001464488.8), dbSNP rs764544718, ClinGen allele CA8274817.

ClinVar aggregate classification (germline): Uncertain significance (1 of 4 stars; one submission).

Allele frequency attached by ClinVar (database versions not stated): gnomAD exomes below 0.00001 and 0.00001; ExAC 0.00001.
gnomAD v4.1: 18 of 1,613,168 alleles (0.0011%); highest among the groups gnomAD compares: Non-Finnish European, 0.0015%; no homozygotes.

Submission:

Labcorp Genetics (formerly Invitae), Labcorp
Classification: Uncertain significance. Last evaluated: 2024-10-14. Review status: criteria provided, single submitter. Criteria: Invitae Variant Classification Sherloc (09022015). Collection method: clinical testing. Allele origin: germline.
Comment: This sequence change replaces aspartic acid, which is acidic and polar, with histidine, which is basic and polar, at codon 246 of the SERPINF1 protein (p.Asp246His). This variant is present in population databases (rs764544718, gnomAD 0.0009%). This variant has not been reported in the literature in individuals affected with SERPINF1-related conditions. ClinVar contains an entry for this variant (Variation ID: 1464488). Invitae Evidence Modeling of protein sequence and biophysical properties (such as structural, functional, and spatial information, amino acid conservation, physicochemical variation, residue mobility, and thermodynamic stability) indicates that this missense variant is not expected to disrupt SERPINF1 protein function with a negative predictive value of 80%. In summary, the available evidence is currently insufficient to determine the role of this variant in disease. Therefore, it has been classified as a Variant of Uncertain Significance.